The following is an entry in ClinVar:

ClinVar aggregate classification (germline): Likely benign (1 of 4 stars; one submission).

Allele frequency attached by ClinVar (database versions not stated): 1000 Genomes Project 30x 0.00187; 1000 Genomes Project 0.00220; ESP Exome Variant Server 0.00254.
gnomAD v4.1: 3,854 of 1,610,702 alleles (0.24%); highest among the groups gnomAD compares: Non-Finnish European, 0.27%; 7 homozygotes.

Submission:

CeGaT Center for Human Genetics Tuebingen
Classification: Likely benign. Last evaluated: 2026-04-01. Review status: criteria provided, single submitter. Criteria: CeGaT Center For Human Genetics Tuebingen Variant Classification Criteria Version 2. Collection method: clinical testing. Allele origin: germline. Affected: yes. Observed: 2 variant alleles.
Comment: SYCP2: BP4, BP7

NM_014258.4(SYCP2):c.2262C>T (p.Cys754=)

Gene: SYCP2 (synaptonemal complex protein 2; minus strand). Cytogenetic location: 20q13.33.
Variant type: single nucleotide variant.
Coding change: c.2262C>T on transcript NM_014258.4 (MANE Select); coding-DNA position 2262, C replaced by T.
Protein change: p.Cys754=; no amino-acid change (cysteine 754 retained).
Molecular consequence: synonymous variant.
Genome position (GRCh38, 1-based): chr20:59,892,092, G>A on the plus strand (C>T on the coding strand, the complement: SYCP2 is on the minus strand). VCF-style: chr20-59892092-G-A. GRCh37 (hg19) VCF-style: chr20-58467147-G-A.
Identifiers: ClinVar variation 2652459 (VCV002652459.24), dbSNP rs139419328, ClinGen allele CA9931914.